The following is an entry in ClinVar:

NM_182699.4(DDX53):c.13G>A (p.Ala5Thr)

Genes: DDX53 (DEAD-box helicase 53; plus strand), PTCHD1-AS (PTCHD1 and PHEX antisense RNA; minus strand). Cytogenetic location: Xp22.11.
Variant type: single nucleotide variant.
Coding change: c.13G>A on transcript NM_182699.4 (MANE Select); coding-DNA position 13, G replaced by A.
Protein change: p.Ala5Thr; replaces alanine 5 with threonine.
Molecular consequence: missense variant.
Genome position (GRCh38, 1-based): chrX:23,000,070, G>A. VCF-style: chrX-23000070-G-A. GRCh37 (hg19) VCF-style: chrX-23018187-G-A.
Other names: c.13G>A (NM_182699.3); short protein forms A5T.
Identifiers: ClinVar variation 2660161 (VCV002660161.24), dbSNP rs142429958, ClinGen allele CA10368691.

ClinVar aggregate classification (germline): Likely benign. Review status: criteria provided, single submitter (1 of 4 stars). 2 submissions from 2 submitters: Likely benign (1). 1 of the submissions does not count toward it. Last evaluated 2022-12-01.

Conditions:
DDX53-related disorder. Also called: DDX53-related condition.

Allele frequency attached by ClinVar (database versions not stated): gnomAD exomes 0.00038; gnomAD 0.00041; TOPMed 0.00056; ESP Exome Variant Server 0.00085; ExAC 0.00297.

Submissions (2):

CeGaT Center for Human Genetics Tuebingen
Classification: Likely benign. Last evaluated: 2022-12-01. Review status: criteria provided, single submitter. Criteria: CeGaT Center For Human Genetics Tuebingen Variant Classification Criteria Version 2. Collection method: clinical testing. Allele origin: germline. Affected: yes. Observed: 1 variant allele.
Comment: DDX53: BS2; ENSG00000289084: BS2; RP11-40F8.2: BS2

PreventionGenetics, part of Exact Sciences
Classification: Benign for DDX53-related condition. Last evaluated: 2019-06-06. Review status: no assertion criteria provided. Collection method: clinical testing. Allele origin: germline. Not counted in ClinVar's aggregate classification.
Comment: This variant is classified as benign based on ACMG/AMP sequence variant interpretation guidelines (Richards et al. 2015 PMID: 25741868, with internal and published modifications).